The following is an entry in ClinVar:

NM_003051.4(SLC16A1):c.41dup (p.Asp15fs)

Gene: SLC16A1 (solute carrier family 16 member 1; minus strand). Cytogenetic location: 1p13.2.
Variant type: Duplication.
Coding change: c.41dup on transcript NM_003051.4 (MANE Select); coding-DNA position 41, one base duplicated (C; older notation c.41dupC).
Protein change: p.Asp15fs; shifts the reading frame from aspartic acid 15.
Molecular consequence: frameshift variant.
Genome position (GRCh38, 1-based): chr1:112,929,268, G duplicated on the plus strand (C on the coding strand, the reverse complement: SLC16A1 is on the minus strand); the first of 7 consecutive G bases (chr1:112,929,268-112,929,274); duplicating any one gives the same sequence. VCF-style (leftmost placement, unchanged base first): chr1-112929267-T-TG. GRCh37 (hg19) VCF-style: chr1-113471889-T-TG.
Other names: c.41dup, p.Asp15fs (NM_001166496.2); short protein forms D15fs.
Identifiers: ClinVar variation 160369 (VCV000160369.6), dbSNP rs606231309, ClinGen allele CA173973.

ClinVar aggregate classification (germline): Conflicting classifications of pathogenicity. Review status: criteria provided, conflicting classifications (1 of 4 stars). 4 submissions from 4 submitters: Pathogenic (1); Likely pathogenic (1); Uncertain significance (1). 1 of the submissions does not count toward it. Last evaluated 2023-09-05.

Conditions:
SLC16A1-related disorder. Also called: SLC16A1-related disorders; SLC16A1-related condition.
Monocarboxylate transporter 1 deficiency, autosomal recessive. Identifiers: MedGen C4016683.
Ketoacidosis due to monocarboxylate transporter-1 deficiency. Also called: Monocarboxylate transporter 1 deficiency. Identifiers: Orphanet 438075, MedGen C4015186, MONDO:0014490, OMIM 616095.

Submissions (4):

Blueprint Genetics
Classification: Likely pathogenic for SLC16A1-related disorders. Last evaluated: 2023-09-05. Review status: criteria provided, single submitter. Criteria: ACMG Guidelines, 2015. Collection method: clinical testing. Allele origin: germline. Affected: yes. Observed: 2 variant alleles.

Labcorp Genetics (formerly Invitae), Labcorp
Classification: Pathogenic. Last evaluated: 2022-11-10. Review status: criteria provided, single submitter. Criteria: Invitae Variant Classification Sherloc (09022015). Collection method: clinical testing. Allele origin: germline.
Comment: ClinVar contains an entry for this variant (Variation ID: 160369). For these reasons, this variant has been classified as Pathogenic. The frequency data for this variant in the population databases is considered unreliable, as metrics indicate poor data quality at this position in the gnomAD database. This premature translational stop signal has been observed in individual(s) with monocarboxylate transporter 1 deficiency (PMID: 25390740). This sequence change creates a premature translational stop signal (p.Asp15Argfs*34) in the SLC16A1 gene. It is expected to result in an absent or disrupted protein product. Loss-of-function variants in SLC16A1 are known to be pathogenic (PMID: 25390740).

Institute of Human Genetics, University of Leipzig Medical Center
Classification: Uncertain significance for Ketoacidosis due to monocarboxylate transporter-1 deficiency. Last evaluated: 2019-01-01. Review status: criteria provided, single submitter. Criteria: ACMG Guidelines, 2015. Collection method: clinical testing. Allele origin: unknown. Affected: yes.

OMIM
Classification: Pathogenic for MONOCARBOXYLATE TRANSPORTER 1 DEFICIENCY, AUTOSOMAL RECESSIVE. Last evaluated: 2014-11-13. Review status: no assertion criteria provided. Collection method: literature only. Allele origin: germline. Not counted in ClinVar's aggregate classification.

Literature cited by the submitters: PubMed 25390740 (cited by Labcorp Genetics (formerly Invitae), Labcorp); van Hasselt, P. M., Ferdinandusse, S., Monroe, G. R., Ruiter, J. P. N., Turkenburg, M., Geerlings, M. J., Duran, K., Harakalova, M., van der Zwaag, B., Monavari, A. A., Okur, I., Sharrard, M. J., and 11 others Monocarboxylate transporter 1 deficiency and ketone utilization. New Eng. J. Med. 371: 1900-1907, 2014. (cited by OMIM).